The following is an entry in ClinVar:

ClinVar aggregate classification (germline): Likely benign. Review status: criteria provided, multiple submitters, no conflicts (2 of 4 stars). 5 submissions from 5 submitters: Likely benign (4). 1 of the submissions does not count toward it. Last evaluated 2025-12-12.

Conditions:
SAMD9L-related disorder. Also called: SAMD9L-related disorders; SAMD9L-related condition.
Inborn genetic diseases. Identifiers: MedGen C0950123, MeSH D030342.

Allele frequency attached by ClinVar (database versions not stated): TOPMed 0.00002; ESP Exome Variant Server 0.00008.
gnomAD v4.1: 70 of 1,612,842 alleles (0.0043%); highest among the groups gnomAD compares: Non-Finnish European, 0.0058%; no homozygotes.

Submissions (5):

Labcorp Genetics (formerly Invitae), Labcorp
Classification: Likely benign. Last evaluated: 2025-12-12. Review status: criteria provided, single submitter. Criteria: Invitae Variant Classification Sherloc (09022015). Collection method: clinical testing. Allele origin: germline.

Ambry Genetics
Classification: Likely benign for Inborn genetic diseases. Last evaluated: 2024-11-18. Review status: criteria provided, single submitter. Criteria: Ambry Variant Classification Scheme 2023. Collection method: clinical testing. Allele origin: germline.

Blueprint Genetics
Classification: Likely benign. Last evaluated: 2024-05-22. Review status: criteria provided, single submitter. Criteria: ACMG Guidelines, 2015. Collection method: clinical testing. Allele origin: germline.

Genetic Services Laboratory, University of Chicago
Classification: Likely benign. Last evaluated: 2021-12-16. Review status: criteria provided, single submitter. Criteria: ACMG Guidelines, 2015. Collection method: clinical testing. Allele origin: germline. Affected: no.

PreventionGenetics, part of Exact Sciences
Classification: Likely benign for SAMD9L-related condition. Last evaluated: 2021-06-02. Review status: no assertion criteria provided. Collection method: clinical testing. Allele origin: germline. Not counted in ClinVar's aggregate classification.
Comment: This variant is classified as likely benign based on ACMG/AMP sequence variant interpretation guidelines (Richards et al. 2015 PMID: 25741868, with internal and published modifications).

NM_152703.5(SAMD9L):c.3054G>A (p.Glu1018=)

Gene: SAMD9L (sterile alpha motif domain containing 9 like; minus strand). Cytogenetic location: 7q21.2.
Variant type: single nucleotide variant.
Coding change: c.3054G>A on transcript NM_152703.5 (MANE Select); coding-DNA position 3054, G replaced by A.
Protein change: p.Glu1018=; no amino-acid change (glutamic acid 1018 retained).
Molecular consequence: synonymous variant.
Genome position (GRCh38, 1-based): chr7:93,132,918, C>T on the plus strand (G>A on the coding strand, the complement: SAMD9L is on the minus strand). VCF-style: chr7-93132918-C-T. GRCh37 (hg19) VCF-style: chr7-92762231-C-T.
Other names: c.3054G>A (NM_152703.2, NM_152703.3); c.3054G>A, p.Glu1018= (NM_001303496.3, NM_001303497.3, NM_001303498.3 and 5 more transcripts).
Identifiers: ClinVar variation 1338186 (VCV001338186.15), dbSNP rs376356072, ClinGen allele CA4343513.